The following is an entry in ClinVar:

NM_182914.3(SYNE2):c.9943G>A (p.Glu3315Lys)

Gene: SYNE2 (spectrin repeat containing nuclear envelope protein 2; plus strand). Cytogenetic location: 14q23.2.
Variant type: single nucleotide variant.
Coding change: c.9943G>A on transcript NM_182914.3 (MANE Select); coding-DNA position 9943, G replaced by A.
Protein change: p.Glu3315Lys; replaces glutamic acid 3315 with lysine.
Molecular consequence: missense variant.
Genome position (GRCh38, 1-based): chr14:64,056,142, G>A. VCF-style: chr14-64056142-G-A. GRCh37 (hg19) VCF-style: chr14-64522860-G-A.
Other names: c.9943G>A, p.Glu3315Lys (NM_015180.6); short protein forms E3315K.
Identifiers: ClinVar variation 197613 (VCV000197613.13), dbSNP rs372982837, ClinGen allele CA245872.
Genomic context (GRCh38, chr14:64,056,142, plus strand): 5'-ATGCCTCTTCGAAAACAAGAGGAATTGGAATCCACAGTAGCACACATCCAGGACCTCACT[G>A]AGAAACTGGGAATGATATCCAGCCCCGAAGCCAAACTACAACTTCAGTATACTTTACAGG-3'
Protein context (NP_878918.2, residues 3305-3325): STVAHIQDLT[Glu3315Lys]KLGMISSPEA

ClinVar aggregate classification (germline): Uncertain significance. Review status: criteria provided, multiple submitters, no conflicts (2 of 4 stars). 4 submissions from 4 submitters: Uncertain significance (4). Last evaluated 2024-12-04.

Conditions:
Emery-Dreifuss muscular dystrophy 5, autosomal dominant (EDMD5). Also called: EMERY-DREIFUSS MUSCULAR DYSTROPHY 5. Identifiers: Orphanet 261, MedGen C2751805, MONDO:0013072, OMIM 612999.

Allele frequency attached by ClinVar (database versions not stated): ExAC 0.00001; gnomAD 0.00001; gnomAD exomes 0.00001; TOPMed 0.00002; ESP Exome Variant Server 0.00008.
gnomAD v4.1: 34 of 1,614,018 alleles (0.0021%); highest among the groups gnomAD compares: Non-Finnish European, 0.0029%; no homozygotes.

Submissions (4):

Revvity Omics, Revvity
Classification: Uncertain significance for Emery-Dreifuss muscular dystrophy 5, autosomal dominant. Last evaluated: 2024-12-04. Review status: criteria provided, single submitter. Criteria: ACMG Guidelines, 2015. Collection method: clinical testing. Allele origin: germline.

Labcorp Genetics (formerly Invitae), Labcorp
Classification: Uncertain significance for Emery-Dreifuss muscular dystrophy 5, autosomal dominant. Last evaluated: 2023-10-29. Review status: criteria provided, single submitter. Criteria: Invitae Variant Classification Sherloc (09022015). Collection method: clinical testing. Allele origin: germline.
Comment: This sequence change replaces glutamic acid, which is acidic and polar, with lysine, which is basic and polar, at codon 3315 of the SYNE2 protein (p.Glu3315Lys). This variant is present in population databases (rs372982837, gnomAD 0.002%). This variant has not been reported in the literature in individuals affected with SYNE2-related conditions. ClinVar contains an entry for this variant (Variation ID: 197613). An algorithm developed to predict the effect of missense changes on protein structure and function (PolyPhen-2) suggests that this variant is likely to be disruptive. In summary, the available evidence is currently insufficient to determine the role of this variant in disease. Therefore, it has been classified as a Variant of Uncertain Significance.

Illumina Laboratory Services, Illumina
Classification: Uncertain significance for Emery-Dreifuss muscular dystrophy 5, autosomal dominant. Last evaluated: 2018-01-12. Review status: criteria provided, single submitter. Criteria: ICSL Variant Classification Criteria 13 December 2019. Collection method: clinical testing. Allele origin: germline.

Eurofins Ntd Llc (ga)
Classification: Uncertain significance. Last evaluated: 2015-04-20. Review status: criteria provided, single submitter. Criteria: EGL Classification Definitions 2015. Collection method: clinical testing. Allele origin: germline. Observed: 2 variant alleles, 2 heterozygotes.